The following is an entry in ClinVar:

NM_021930.6(RINT1):c.2187T>A (p.His729Gln)

Genes: EFCAB10 (EF-hand calcium binding domain 10; minus strand), RINT1 (RAD50 interactor 1; plus strand). Cytogenetic location: 7q22.3.
Variant type: single nucleotide variant.
Coding change: c.2187T>A on transcript NM_021930.6 (MANE Select); coding-DNA position 2187, T replaced by A.
Protein change: p.His729Gln; replaces histidine 729 with glutamine.
Molecular consequence: missense variant. On other transcripts: 3 prime UTR variant (2), non-coding transcript variant (1), intron variant (3).
Genome position (GRCh38, 1-based): chr7:105,567,119, T>A. VCF-style: chr7-105567119-T-A. GRCh37 (hg19) VCF-style: chr7-105207566-T-A.
Other names: c.*335A>T (NM_001355527.2, NM_001355529.2); c.1953T>A, p.His651Gln (NM_001346599.2); c.1164T>A, p.His388Gln (NM_001346600.2, NM_001346603.2); c.1263T>A, p.His421Gln (NM_001346601.2); c.360-1672A>T (NM_001355531.2); c.383+348A>T (NM_001355526.2, NM_001355530.2); short protein forms H388Q, H421Q, H651Q, H729Q.
Identifiers: ClinVar variation 3227638 (VCV003227638.1), dbSNP rs928088575, ClinGen allele CA368815349.

ClinVar aggregate classification (germline): Uncertain significance (1 of 4 stars; one submission).

Submission:

Ambry Genetics
Classification: Uncertain significance. Last evaluated: 2023-09-15. Review status: criteria provided, single submitter. Criteria: Ambry Variant Classification Scheme 2023. Collection method: clinical testing. Allele origin: germline.
Comment: The p.H729Q variant (also known as c.2187T>A) is located in coding exon 15 of the RINT1 gene. The histidine at codon 729 is replaced by glutamine, an amino acid with highly similar properties. This change occurs in the first base pair of coding exon 15. This amino acid position is conserved. In addition, this alteration is predicted to be tolerated by in silico analysis. Since supporting evidence is limited at this time, the clinical significance of this alteration remains unclear.